The following is an entry in ClinVar:

ClinVar aggregate classification (germline): Uncertain significance (1 of 4 stars; one submission).

Conditions:
CDON-related disorder. Also called: CDON-related condition.

Submission:

PreventionGenetics, part of Exact Sciences
Classification: Uncertain significance for CDON-related condition. Last evaluated: 2025-01-17. Review status: criteria provided, single submitter. Criteria: ACMG Guidelines, 2015. Collection method: clinical testing. Allele origin: germline.
Comment: The CDON c.1862G>C variant is predicted to result in the amino acid substitution p.Gly621Ala. To our knowledge, this variant has not been reported in the literature or in a large population database (gnomAD), indicating this variant is rare. At this time, the clinical significance of this variant is uncertain due to the absence of conclusive functional and genetic evidence.

NM_001378964.1(CDON):c.1862G>C (p.Gly621Ala)

Gene: CDON (cell adhesion associated, oncogene regulated; minus strand). Cytogenetic location: 11q24.2.
Variant type: single nucleotide variant.
Coding change: c.1862G>C on transcript NM_001378964.1 (MANE Select); coding-DNA position 1862, G replaced by C.
Protein change: p.Gly621Ala; replaces glycine 621 with alanine.
Molecular consequence: missense variant.
Genome position (GRCh38, 1-based): chr11:126,004,066, C>G on the plus strand (G>C on the coding strand, the complement: CDON is on the minus strand). VCF-style: chr11-126004066-C-G. GRCh37 (hg19) VCF-style: chr11-125873961-C-G.
Other names: c.1862G>C, p.Gly621Ala (NM_001243597.3, NM_001441161.1, NM_001441162.1 and 5 more transcripts); short protein forms G621A.
Identifiers: ClinVar variation 4999625 (VCV004999625.1).